The following is an entry in ClinVar:

NM_000059.4(BRCA2):c.3199del (p.Thr1067fs)

Gene: BRCA2 (BRCA2 DNA repair associated; plus strand). Cytogenetic location: 13q13.1.
Variant type: Deletion.
Coding change: c.3199del on transcript NM_000059.4 (MANE Select); coding-DNA position 3199, one base deleted (A; older notation c.3199delA).
Protein change: p.Thr1067fs; shifts the reading frame from threonine 1067.
Molecular consequence: frameshift variant.
Genome position (GRCh38, 1-based): chr13:32,337,554, A deleted. VCF-style (leftmost placement, unchanged base first): chr13-32337553-TA-T. GRCh37 (hg19) VCF-style: chr13-32911690-TA-T.
Other names: 3427delA; c.3199delA (NM_000059.3).
Identifiers: ClinVar variation 51421 (VCV000051421.77), dbSNP rs80359377, ClinGen allele CA017526.

ClinVar aggregate classification (germline): Pathogenic. Review status: reviewed by expert panel (3 of 4 stars). 23 submissions from 21 submitters: Pathogenic (1). 22 of the submissions do not count toward it. Last evaluated 2016-09-08.

Conditions:
BRCA2-related cancer predisposition. Identifiers: MedGen CN377758, MONDO:0700269.
Hereditary cancer-predisposing syndrome. Also called: Hereditary Cancer Syndrome; Tumor predisposition; Neoplastic Syndromes, Hereditary; Hereditary neoplastic syndrome. Identifiers: Orphanet 140162, MedGen C0027672, MeSH D009386, MONDO:0015356.
Hereditary breast ovarian cancer syndrome. Also called: Breast and ovarian cancer; BRCA1- and BRCA2-Associated Hereditary Breast and Ovarian Cancer; Hereditary breast and ovarian cancer; Hereditary breast and ovarian cancer syndrome (HBOC); Hereditary breast and ovarian cancer syndrome; Hereditary breast and/or ovarian cancer syndrome. Identifiers: Orphanet 145, MedGen C0677776, MeSH D061325, MONDO:0003582. Disease mechanism: loss of function.
Breast-ovarian cancer, familial, susceptibility to, 2 (BROVCA2). Also called: BRCA2 Hereditary Breast and Ovarian Cancer. Identifiers: Orphanet 145, MedGen C2675520, MONDO:0012933, OMIM 612555. Disease mechanism: loss of function.
Breast-ovarian cancer, familial, susceptibility to, 1 (BROVCA1). Also called: BRCA1 Hereditary Breast and Ovarian Cancer; OVARIAN CANCER, SUSCEPTIBILITY TO. Identifiers: Orphanet 145, MedGen C2676676, MONDO:0011450, OMIM 604370. Disease mechanism: loss of function.
Familial cancer of breast. Also called: BREAST CANCER, FAMILIAL; hereditary breast carcinoma; Hereditary breast cancer. Identifiers: Orphanet 227535, MedGen C0346153, MONDO:0016419, OMIM 114480. Disease mechanism: loss of function.
Breast carcinoma. Also called: Carcinoma of breast. Identifiers: MedGen C0678222, MONDO:0004989, HP:0003002.

Allele frequency attached by ClinVar (database versions not stated): gnomAD exomes below 0.00001.

Submissions 1 to 10 of 23:

Evidence-based Network for the Interpretation of Germline Mutant Alleles (ENIGMA)
Classification: Pathogenic for Breast-ovarian cancer, familial, susceptibility to, 2. Last evaluated: 2016-09-08. Review status: reviewed by expert panel. Criteria: ENIGMA BRCA1/2 Classification Criteria (2015). Collection method: curation. Allele origin: germline.
Comment: Variant allele predicted to encode a truncated non-functional protein.

Institute of Human Genetics, University of Leipzig Medical Center
Classification: Pathogenic for Familial cancer of breast. Last evaluated: 2026-05-05. Review status: criteria provided, single submitter. Criteria: ACMG Guidelines, 2015. Collection method: clinical testing. Allele origin: unknown. Affected: yes. Not counted in ClinVar's aggregate classification.
Comment: Criteria applied: PVS1,PM5_STR,PM2_SUP

Institute of Human Genetics, University of Leipzig Medical Center
Classification: Pathogenic for Breast-ovarian cancer, familial, susceptibility to, 2. Last evaluated: 2026-03-02. Review status: criteria provided, single submitter. Criteria: ACMG Guidelines, 2015. Collection method: clinical testing. Allele origin: maternal. Inheritance: Autosomal dominant inheritance. Affected: yes. Not counted in ClinVar's aggregate classification.
Comment: the same text as in the submission from Institute of Human Genetics, University of Leipzig Medical Center above.

GeneDx
Classification: Pathogenic. Last evaluated: 2025-11-05. Review status: criteria provided, single submitter. Criteria: GeneDx Variant Classification Process June 2021. Collection method: clinical testing. Allele origin: germline. Affected: yes. Not counted in ClinVar's aggregate classification.
Comment: Frameshift variant predicted to result in protein truncation or nonsense mediated decay in a gene for which loss of function is a known mechanism of disease; Observed in individuals with a personal or family history consistent with pathogenic variants in this gene (PMID: 15146557, 25452441, 15131399, 32073954, 33471991, 34637943); Truncating variants in this gene are considered pathogenic by a well-established clinical consortium and/or database; Not observed at significant frequency in large population cohorts (gnomAD); Also known as 3427delA; This variant is associated with the following publications: (PMID: 15146557, 25452441, 26843898, 24156927, 15131399, 26848151, 28324225, 28135145, 28492532, 33471991, 32073954, 34637943)

Ambry Genetics
Classification: Pathogenic for Hereditary cancer-predisposing syndrome. Last evaluated: 2025-10-24. Review status: criteria provided, single submitter. Criteria: Ambry Variant Classification Scheme 2023. Collection method: clinical testing. Allele origin: germline. Not counted in ClinVar's aggregate classification.
Comment: The c.3199delA (p.T1067Lfs*10) alteration, located in exon 11 (coding exon 10) of the BRCA2 gene, consists of a deletion of one nucleotide at position 3199, causing a translational frameshift with a predicted alternate stop codon after 10 amino acids. This alteration is expected to result in loss of function by premature protein truncation or nonsense-mediated mRNA decay. This variant was not reported in population-based cohorts in the Genome Aggregation Database (gnomAD). This variant has been identified in multiple individuals/families with hereditary breast and ovarian cancer (HBOC) syndrome (G&oacute;rski, 2004; Lubinski, 2004; Tea, 2014; Couch, 2015; Meisel, 2017; Breast Cancer Association, 2021). This variant has also been reported in a patient with an ampullary tumor (Villalona-Calero, 2016). Of note, this alteration is also designated as 3427delA in published literature. Based on the available evidence, this alteration is classified as pathogenic.

Labcorp Genetics (formerly Invitae), Labcorp
Classification: Pathogenic for Hereditary breast ovarian cancer syndrome. Last evaluated: 2024-09-15. Review status: criteria provided, single submitter. Criteria: Invitae Variant Classification Sherloc (09022015). Collection method: clinical testing. Allele origin: germline. Not counted in ClinVar's aggregate classification.
Comment: This sequence change creates a premature translational stop signal (p.Thr1067Leufs*10) in the BRCA2 gene. It is expected to result in an absent or disrupted protein product. Loss-of-function variants in BRCA2 are known to be pathogenic (PMID: 20104584). This variant is not present in population databases (gnomAD no frequency). This premature translational stop signal has been observed in individual(s) with a personal and/or family history of hereditary breast and ovarian cancer as well as colorectal cancer (PMID: 15146557, 24156927, 25452441, 28135145). This variant is also known as 3427delA. ClinVar contains an entry for this variant (Variation ID: 51421). For these reasons, this variant has been classified as Pathogenic.

Women's Health and Genetics/Laboratory Corporation of America, LabCorp
Classification: Pathogenic for Hereditary breast ovarian cancer syndrome. Last evaluated: 2024-09-03. Review status: criteria provided, single submitter. Criteria: LabCorp Variant Classification Summary - May 2015. Collection method: clinical testing. Allele origin: germline. Not counted in ClinVar's aggregate classification.
Comment: Variant summary: BRCA2 c.3199delA (p.Thr1067LeufsX10), also reported as c.3427delA, results in a premature termination codon, predicted to cause a truncation of the encoded protein or absence of the protein due to nonsense mediated decay, which are commonly known mechanisms for disease. The variant was absent in 247034 control chromosomes. c.3199delA has been reported in the literature in at least 1 individual affected with clinical features of Hereditary Breast And Ovarian Cancer Syndrome (example, Agaoglu_2021). The following publication has been ascertained in the context of this evaluation (PMID: 34637943). ClinVar contains an entry for this variant (Variation ID: 51421). Based on the evidence outlined above, the variant was classified as pathogenic.

Institute of Immunology and Genetics Kaiserslautern
Classification: Pathogenic for Breast-ovarian cancer, familial, susceptibility to, 1. Last evaluated: 2024-07-02. Review status: criteria provided, single submitter. Criteria: ACMG Guidelines, 2015. Collection method: clinical testing. Allele origin: germline. Affected: yes. Not counted in ClinVar's aggregate classification.
Comment: ACMG Criteria: PVS1, PM2, PP5_m; Variant was found in heterozygous state

All of Us Research Program, National Institutes of Health
Classification: Pathogenic for BRCA2-related cancer predisposition. Last evaluated: 2024-04-25. Review status: criteria provided, single submitter. Criteria: ACMG Guidelines, 2015. Collection method: clinical testing. Allele origin: germline. Inheritance: Autosomal dominant inheritance. Observed: 1 variant allele, 1 heterozygote. Not counted in ClinVar's aggregate classification.
Comment: This variant deletes 1 nucleotide in exon 11 of the BRCA2 gene, creating a frameshift and premature translation stop signal. This variant is expected to result in an absent or non-functional protein product. To our knowledge, functional studies have not been reported for this variant. This variant has been detected in at least five individuals affected with breast and/or ovarian cancer (PMID: 25452441, 26843898, 28324225, 33471991; Leiden Open Variation Database DB-ID BRCA2_004463) and suspected hereditary breast and ovarian cancer families (PMID: 15131399, 15146557, 24156927). This variant has not been identified in the general population by the Genome Aggregation Database (gnomAD). Loss of BRCA2 function is a known mechanism of disease. Based on the available evidence, this variant is classified as Pathogenic.

This study involves interpretation of variants in research participants for the purpose of population health screening. Participant phenotype was not available at the time of variant classification. Additional details can be found in publication PMID: 35346344, PMCID: PMC8962531

Institute of Human Genetics, University of Leipzig Medical Center
Classification: Pathogenic for Breast-ovarian cancer, familial, susceptibility to, 1. Last evaluated: 2024-03-25. Review status: criteria provided, single submitter. Criteria: ACMG Guidelines, 2015. Collection method: clinical testing. Allele origin: unknown. Inheritance: Autosomal dominant inheritance. Affected: yes. Not counted in ClinVar's aggregate classification.
Comment: the same text as in the submission from Institute of Human Genetics, University of Leipzig Medical Center above.